The following is an entry in ClinVar:

ClinVar aggregate classification (germline): Conflicting classifications of pathogenicity. Review status: criteria provided, conflicting classifications (1 of 4 stars). 2 submissions from 2 submitters: Uncertain significance (1); Likely benign (1). Last evaluated 2025-07-17.

Allele frequency attached by ClinVar (database versions not stated): gnomAD exomes below 0.00001; ExAC 0.00001; TOPMed 0.00003; gnomAD 0.00006.
gnomAD v4.1: 11 of 1,612,612 alleles (0.00068%); highest among the groups gnomAD compares: African/African-American, 0.015%; no homozygotes.

Submissions (2):

GeneDx
Classification: Uncertain significance. Last evaluated: 2025-07-17. Review status: criteria provided, single submitter. Criteria: GeneDx Variant Classification Process June 2021. Collection method: clinical testing. Allele origin: germline. Affected: yes.
Comment: In silico analysis suggests that this missense variant does not alter protein structure/function; Has not been previously published as pathogenic or benign to our knowledge

CeGaT Center for Human Genetics Tuebingen
Classification: Likely benign. Last evaluated: 2022-09-01. Review status: criteria provided, single submitter. Criteria: CeGaT Center For Human Genetics Tuebingen Variant Classification Criteria Version 2. Collection method: clinical testing. Allele origin: germline. Affected: yes. Observed: 1 variant allele.
Comment: GFM1: BP4

NM_024996.7(GFM1):c.88T>G (p.Trp30Gly)

Gene: GFM1 (G elongation factor mitochondrial 1; plus strand). Cytogenetic location: 3q25.32.
Variant type: single nucleotide variant.
Coding change: c.88T>G on transcript NM_024996.7 (MANE Select); coding-DNA position 88, T replaced by G.
Protein change: p.Trp30Gly; replaces tryptophan 30 with glycine.
Molecular consequence: missense variant. On other transcripts: 5 prime UTR variant (4), non-coding transcript variant (4).
Genome position (GRCh38, 1-based): chr3:158,645,635, T>G. VCF-style: chr3-158645635-T-G. GRCh37 (hg19) VCF-style: chr3-158363424-T-G.
Other names: c.88T>G (NM_024996.5); c.88T>G, p.Trp30Gly (NM_001308164.2, NM_001308166.2, NM_001374355.1 and 2 more transcripts); c.-138T>G (NM_001374357.1); c.-142T>G (NM_001374359.1, NM_001374360.1, NM_001374361.1); short protein forms W30G.
Identifiers: ClinVar variation 2654256 (VCV002654256.25), dbSNP rs760733794, ClinGen allele CA2682220.